The following is an entry in ClinVar:

ClinVar aggregate classification (germline): Pathogenic (1 of 4 stars; one submission).

Conditions:
Dyggve-Melchior-Clausen syndrome (DMC). Also called: Dyggve-Melchior-Clausen disease; DMC syndrome. Identifiers: Orphanet 239, MedGen C0265286, MONDO:0009130, OMIM 223800.

Submission:

Centre for Human Genetics
Classification: Pathogenic for Dyggve-Melchior-Clausen syndrome. Last evaluated: 2020-10-01. Review status: criteria provided, single submitter. Criteria: ACMG Guidelines, 2015. Collection method: clinical testing. Allele origin: germline. Affected: yes and no. Observed: 3 variant alleles. Segregation with disease observed.

NM_001353214.3(DYM):c.705_708dup (p.Pro237fs)

Gene: DYM (dymeclin; minus strand). Cytogenetic location: 18q21.1.
Variant type: Duplication.
Coding change: c.705_708dup on transcript NM_001353214.3 (MANE Select); coding-DNA positions 705 to 708, 4 bases duplicated (TTTC; older notation c.705_708dupTTTC).
Protein change: p.Pro237fs; shifts the reading frame from proline 237.
Molecular consequence: frameshift variant. On other transcripts: intron variant (4).
Genome position (GRCh38, 1-based): chr18:49,331,919-49,331,922, GAAA duplicated on the plus strand (TTTC on the coding strand, the reverse complement: DYM is on the minus strand). VCF-style (leftmost placement, unchanged base first): chr18-49331918-G-GGAAA. GRCh37 (hg19) VCF-style: chr18-46858288-G-GGAAA.
Other names: c.705_708dup, p.Pro237fs (NM_001353210.3, NM_001353213.3, NM_001353215.3 and 10 more transcripts); c.702_705dup, p.Pro236fs (NM_001353211.3, NM_001353212.3, NM_001374429.1 and 1 more transcripts); c.579_582dup, p.Pro195fs (NM_001374432.1, NM_001374436.1); c.477_480dup, p.Pro161fs (NM_001374440.1); c.194-45309_194-45306dup (NM_001374443.1); c.194-45306_194-45303dup (NM_001374444.1, NM_001374442.1, NM_001374441.1); short protein forms P161fs, P195fs, P236fs, P237fs.
Identifiers: ClinVar variation 1048091 (VCV001048091.1), dbSNP rs2063332964, ClinGen allele CA2302168782.